The following is an entry in ClinVar:

NM_004304.5(ALK):c.3036G>A (p.Thr1012=)

Gene: ALK (ALK receptor tyrosine kinase; minus strand). Cytogenetic location: 2p23.2.
Variant type: single nucleotide variant.
Coding change: c.3036G>A on transcript NM_004304.5 (MANE Select); coding-DNA position 3036, G replaced by A.
Protein change: p.Thr1012=; no amino-acid change (threonine 1012 retained).
Molecular consequence: synonymous variant.
Genome position (GRCh38, 1-based): chr2:29,226,953, C>T on the plus strand (G>A on the coding strand, the complement: ALK is on the minus strand). VCF-style: chr2-29226953-C-T. GRCh37 (hg19) VCF-style: chr2-29449819-C-T.
Other names: p.Thr1012=.
Identifiers: ClinVar variation 259270 (VCV000259270.34), dbSNP rs2293563, ClinGen allele CA1594110.

ClinVar aggregate classification (germline): Benign. Review status: criteria provided, multiple submitters, no conflicts (2 of 4 stars). 10 submissions from 10 submitters: Benign (10). Last evaluated 2026-02-04.

Conditions:
Hereditary cancer-predisposing syndrome. Also called: Neoplastic Syndromes, Hereditary; Hereditary neoplastic syndrome; Hereditary Cancer Syndrome; Tumor predisposition. Identifiers: Orphanet 140162, MedGen C0027672, MeSH D009386, MONDO:0015356.
Neuroblastoma, susceptibility to, 3. Also called: ALK-Related Neuroblastic Tumor Susceptibility. Identifiers: Orphanet 635, MedGen C2751681, MONDO:0013083, OMIM 613014.

Allele frequency attached by ClinVar (database versions not stated): gnomAD exomes 0.15621 and 0.16680; ExAC 0.15908; 1000 Genomes Project 30x 0.16943; 1000 Genomes Project 0.16993; gnomAD 0.17650 and 0.17851; TOPMed 0.18383; ESP Exome Variant Server 0.18960.
gnomAD v4.1: 271,677 of 1,614,020 alleles (17%); highest among the groups gnomAD compares: Middle Eastern, 23%; 23,683 homozygotes.

Submissions (10):

Labcorp Genetics (formerly Invitae), Labcorp
Classification: Benign for Neuroblastoma, susceptibility to, 3. Last evaluated: 2026-02-04. Review status: criteria provided, single submitter. Criteria: Invitae Variant Classification Sherloc (09022015). Collection method: clinical testing. Allele origin: germline.

ARUP Laboratories, Molecular Genetics and Genomics, ARUP Laboratories
Classification: Benign for Neuroblastoma, susceptibility to, 3. Last evaluated: 2025-07-15. Review status: criteria provided, single submitter. Criteria: ARUP Molecular Germline Variant Investigation Process 2024. Collection method: clinical testing. Allele origin: germline.

KCCC/NGS Laboratory, Kuwait Cancer Control Center
Classification: Benign for Neuroblastoma, susceptibility to, 3. Last evaluated: 2023-07-07. Review status: criteria provided, single submitter. Criteria: ACMG Guidelines, 2015. Collection method: clinical testing. Allele origin: germline. Affected: yes.

Mayo Clinic Laboratories, Mayo Clinic
Classification: Benign. Last evaluated: 2022-03-03. Review status: criteria provided, single submitter. Criteria: ACMG Guidelines, 2015. Collection method: clinical testing. Allele origin: germline. Observed: 99 variant alleles.

Illumina Laboratory Services, Illumina
Classification: Benign for Neuroblastoma, susceptibility to, 3. Last evaluated: 2018-01-12. Review status: criteria provided, single submitter. Criteria: ICSL Variant Classification Criteria 13 December 2019. Collection method: clinical testing. Allele origin: germline.
Comment: This variant was observed in the ICSL laboratory as part of a predisposition screen in an ostensibly healthy population. It had not been previously curated by ICSL or reported in the Human Gene Mutation Database (HGMD: prior to June 1st, 2018), and was therefore a candidate for classification through an automated scoring system. Utilizing variant allele frequency, disease prevalence and penetrance estimates, and inheritance mode, an automated score was calculated to assess if this variant is too frequent to cause the disease. Based on the score and internal cut-off values, a variant classified as benign is not then subjected to further curation. The score for this variant resulted in a classification of benign for this disease.

Ambry Genetics
Classification: Benign for Hereditary cancer-predisposing syndrome. Last evaluated: 2016-12-12. Review status: criteria provided, single submitter. Criteria: Ambry Variant Classification Scheme 2023. Collection method: clinical testing. Allele origin: germline.

GeneDx
Classification: Benign. Last evaluated: 2016-05-06. Review status: criteria provided, single submitter. Criteria: GeneDx Variant Classification (06012015). Collection method: clinical testing. Allele origin: germline. Affected: yes.
Comment: This variant is considered likely benign or benign based on one or more of the following criteria: it is a conservative change, it occurs at a poorly conserved position in the protein, it is predicted to be benign by multiple in silico algorithms, and/or has population frequency not consistent with disease.

Women's Health and Genetics/Laboratory Corporation of America, LabCorp
Classification: Benign. Last evaluated: 2016-04-27. Review status: criteria provided, single submitter. Criteria: LabCorp Variant Classification Summary - May 2015. Collection method: clinical testing. Allele origin: germline.
Comment: Variant summary: The c.3036G>A in ALK gene is a synonymous change that involves a non-conserved nucleotide. 3/5 splice-site tools in Alamut predict that this variant disrupts a cryptic splice donor site meanwhile creating a cryptic splice acceptor site as predicted by 2/5 tools; however no functional studies supporting this notion were published at the time of evaluation. The variant is present in the control population dataset of ExAC at frequency of 16%. The observed frequency greatly exceeds the maximum expected allele frequency for a pathogenic variant of 0.0004%, suggesting that it is a benign polymorphism. The variant of interest has not been reported by reputable databases/clinical laboratories. Taking together, based on the prevalence of this variant in general population the variant was classified as Benign.

Breakthrough Genomics
Classification: Benign. Review status: criteria provided, single submitter. Criteria: ACMG Guidelines, 2015. Collection method: not provided. Allele origin: germline. Inheritance: Unknown mechanism. Affected: yes.

PreventionGenetics, part of Exact Sciences
Classification: Benign. Review status: criteria provided, single submitter. Criteria: ACMG Guidelines, 2015. Collection method: clinical testing. Allele origin: germline.